The following is an entry in ClinVar:

ClinVar aggregate classification (germline): Conflicting classifications of pathogenicity. Review status: criteria provided, conflicting classifications (1 of 4 stars). 2 submissions from 2 submitters: Likely pathogenic (1); Uncertain significance (1). Last evaluated 2025-09-16.

Conditions:
Familial isolated deficiency of vitamin E (AVED). Also called: Ataxia with isolated vitamin E deficiency; ATAXIA, FRIEDREICH-LIKE, WITH SELECTIVE VITAMIN E DEFICIENCY. Identifiers: Orphanet 96, MedGen C1848533, MONDO:0010188, OMIM 277460.

Submissions (2):

Myriad Genetics, Inc.
Classification: Uncertain significance for Familial isolated deficiency of vitamin E. Last evaluated: 2025-09-16. Review status: criteria provided, single submitter. Criteria: Myriad Autosomal Dominant, Autosomal Recessive and X-Linked Classification Criteria (2023). Collection method: clinical testing. Allele origin: unknown.
Comment: NM_000370.3(TTPA):c.359-3_359delTAGCinsAGT is a variant in a canonical splice site classified as a variant of uncertain significance in the context of ataxia with vitamin E deficiency. c.359-3_359delTAGCinsAGT has not been observed in cases with relevant disease. Relevant functional assessments of this variant are not available in the literature. c.359-3_359delTAGCinsAGT has not been observed in referenced population frequency databases. In summary, there is insufficient evidence to classify NM_000370.3(TTPA):c.359-3_359delTAGCinsAGT as pathogenic or benign. Please note: this variant was assessed in the context of healthy population screening.

Fulgent Genetics
Classification: Likely pathogenic for Familial isolated deficiency of vitamin E. Last evaluated: 2024-04-02. Review status: criteria provided, single submitter. Criteria: ACMG Guidelines, 2015. Collection method: clinical testing. Allele origin: germline.

NM_000370.3(TTPA):c.359-3_359delinsAGT

Gene: TTPA (alpha tocopherol transfer protein; minus strand). Cytogenetic location: 8q12.3.
Variant type: Indel.
Coding change: c.359-3_359delinsAGT on transcript NM_000370.3 (MANE Select); 3 bases into the intron before coding-DNA position 359 through coding-DNA position 359, TAGC replaced by AGT.
Molecular consequence: splice acceptor variant. On other transcripts: intron variant (3).
Genome position (GRCh38, 1-based): chr8:63,066,097-63,066,100, GCTA replaced by ACT on the plus strand (TAGC replaced by AGT on the coding strand, the reverse complement: TTPA is on the minus strand). VCF-style: chr8-63066097-GCTA-ACT. GRCh37 (hg19) VCF-style: chr8-63978656-GCTA-ACT.
Other names: c.205-4675_205-4672delinsAGT (NM_001413417.1); c.205-1784_205-1781delinsAGT (NM_001413414.1); c.359-4675_359-4672delinsAGT (NM_001413415.1); c.359-3_359delinsAGT (NM_001413416.1); c.476-3_476delinsAGT (NM_001413418.1).
Identifiers: ClinVar variation 3595815 (VCV003595815.2).